The following is an entry in ClinVar:

ClinVar aggregate classification (germline): Conflicting classifications of pathogenicity. Review status: criteria provided, conflicting classifications (1 of 4 stars). 7 submissions from 7 submitters: Likely pathogenic (6); Uncertain significance (1). Last evaluated 2026-08-06.

Conditions:
BRCA2-related cancer predisposition. Identifiers: MedGen CN377758, MONDO:0700269.
Familial prostate cancer. Also called: Hereditary Prostate Cancer. Identifiers: MedGen C2931456, MONDO:0700275, OMIM 176807.
Hereditary cancer-predisposing syndrome. Also called: Neoplastic Syndromes, Hereditary; Tumor predisposition; Hereditary neoplastic syndrome; Hereditary Cancer Syndrome. Identifiers: Orphanet 140162, MedGen C0027672, MeSH D009386, MONDO:0015356.
Hereditary breast ovarian cancer syndrome. Also called: Hereditary breast and ovarian cancer syndrome; Hereditary breast and ovarian cancer syndrome (HBOC); Breast and ovarian cancer; BRCA1- and BRCA2-Associated Hereditary Breast and Ovarian Cancer; Hereditary breast and/or ovarian cancer syndrome; Hereditary breast and ovarian cancer. Identifiers: Orphanet 145, MedGen C0677776, MeSH D061325, MONDO:0003582. Disease mechanism: loss of function.
Breast-ovarian cancer, familial, susceptibility to, 2 (BROVCA2). Also called: BRCA2 Hereditary Breast and Ovarian Cancer. Identifiers: Orphanet 145, MedGen C2675520, MONDO:0012933, OMIM 612555. Disease mechanism: loss of function.

Submissions (7):

OLLIN Analises Genomicas, OLLIN
Classification: Uncertain significance for Familial prostate cancer. Last evaluated: 2026-08-06. Review status: criteria provided, single submitter. Criteria: ACMG Guidelines 2015 PMID 25741868. Collection method: clinical testing. Allele origin: germline. Inheritance: Autosomal recessive inheritance.
Comment: This variant is absent from gnomAD and has not been identified in the literature. However, it has been reported in ClinVar (accession VCV000220547.15). According to the currently available evidence, this variant has been classified as uncertain significance (PM2_P, PP3).

Clinical and Functional Genomics Group, A.C.Camargo Cancer Center
Classification: Likely pathogenic for BRCA2-related cancer predisposition. Last evaluated: 2025-09-03. Review status: criteria provided, single submitter. Criteria: CFGG ACC Assertion Criteria V1. Collection method: clinical testing. Allele origin: germline. Affected: yes.
Comment: The BRCA2 c.7618-10T>G variant is located in intron 15 ten nucleotides upstream of exon 16. SpliceAI predicts loss of the canonical acceptor site (0.93) and gain of a cryptic acceptor site (0.96), suggesting a potential impact on pre-mRNA splicing. This variant is not present in population databases (gnomAD no frequency). Through cDNA capture and targeted cDNA sequencing we observed that the c.7273G>A substitution weakens the canonical donor splice site and strengthens a cryptic donor site located 4 nucleotides upstream of the variant (internal data). This splice alteration causes an in-frame insertion of 9 nucleotides into the transcript, leading to a premature stop codon that truncates the protein within exon 16. This variant was reclassified in ClinVar at the end of 2023 as likely pathogenic by Ambry Genetics and others, following the detection of abnormal splicing. Based on the available evidence and classification criteria, this variant is interpreted as Likely Pathogenic, following the Enigma/Clingen BRCA2 Cspec: PM2_supporting, PP3, PVS1_strong (RNA) and PM5_strong (PTC).

Dasa
Classification: Likely pathogenic for Breast-ovarian cancer, familial, susceptibility to, 2. Last evaluated: 2025-04-16. Review status: criteria provided, single submitter. Criteria: DASA Assertion Criteria. Collection method: clinical testing. Allele origin: germline.
Comment: NM_000059.4(BRCA2):c.7618-10T>G is a splice-region variant predicted to affect normal RNA splicing. This variant affects a splice-region context with prior evidence supporting clinical relevance. This variant has been reported in individuals with Breast-ovarian cancer, familial, susceptibility to, 2. Functional evidence supports an impact on the gene or gene product. Also, this variant is absent from population databases. Based on the currently available evidence, this variant is classified as likely pathogenic.

Ambry Genetics
Classification: Likely pathogenic for Hereditary cancer-predisposing syndrome. Last evaluated: 2024-11-21. Review status: criteria provided, single submitter. Criteria: Ambry Variant Classification Scheme 2023. Collection method: clinical testing. Allele origin: germline.
Comment: The c.7618-10T>G intronic variant results from a T to G substitution 10 nucleotides upstream from coding exon 15 in the BRCA2 gene. This alteration was detected in a cohort of 1663 Brazilian breast cancer patients who underwent hereditary multigene panel testing (Guindalini RSC et al. Sci Rep, 2022 Mar;12:4190). This nucleotide position is well conserved in available vertebrate species. In silico splice site analysis predicts that this alteration will weaken the native splice acceptor site and will result in the creation or strengthening of a novel splice acceptor site. RNA studies have demonstrated that this alteration results in abnormal splicing in the set of samples tested (Ambry internal data). Based on the majority of available evidence to date, this variant is likely to be pathogenic.

Mendelics
Classification: Likely pathogenic for Breast-ovarian cancer, familial, susceptibility to, 2. Last evaluated: 2024-08-01. Review status: criteria provided, single submitter. Criteria: Mendelics Assertion Criteria 2017. Collection method: clinical testing. Allele origin: unknown.

Labcorp Genetics (formerly Invitae), Labcorp
Classification: Likely pathogenic for Hereditary breast ovarian cancer syndrome. Last evaluated: 2024-01-15. Review status: criteria provided, single submitter. Criteria: Invitae Variant Classification Sherloc (09022015). Collection method: clinical testing. Allele origin: germline.
Comment: This sequence change falls in intron 15 of the BRCA2 gene. It does not directly change the encoded amino acid sequence of the BRCA2 protein. RNA analysis indicates that this variant induces altered splicing and may result in an absent or disrupted protein product. This variant is not present in population databases (gnomAD no frequency). This variant has been observed in individual(s) with breast cancer (PMID: 35264596). ClinVar contains an entry for this variant (Variation ID: 220547). Studies have shown that this variant results in activation of a cryptic splice site and introduces a premature termination codon (Invitae). The resulting mRNA is expected to undergo nonsense-mediated decay. In summary, the currently available evidence indicates that the variant is pathogenic, but additional data are needed to prove that conclusively. Therefore, this variant has been classified as Likely Pathogenic.

Genesis Genomics
Classification: Likely pathogenic for Breast-ovarian cancer, familial, susceptibility to, 2. Review status: criteria provided, single submitter. Criteria: ACMG Guidelines, 2015. Collection method: clinical testing. Allele origin: germline. Affected: yes. Observed: 1 variant allele.

Literature cited by the submitters: PubMed 35264596 (cited by 3 submitters).

NM_000059.4(BRCA2):c.7618-10T>G

Gene: BRCA2 (BRCA2 DNA repair associated; plus strand). Cytogenetic location: 13q13.1.
Variant type: single nucleotide variant.
Coding change: c.7618-10T>G on transcript NM_000059.4 (MANE Select); 10 bases into the intron before coding-DNA position 7618, T replaced by G.
Molecular consequence: intron variant.
Genome position (GRCh38, 1-based): chr13:32,357,732, T>G. VCF-style: chr13-32357732-T-G. GRCh37 (hg19) VCF-style: chr13-32931869-T-G.
Identifiers: ClinVar variation 220547 (VCV000220547.18), dbSNP rs864622573, ClinGen allele CA350161.